The following is an entry in ClinVar:

ClinVar aggregate classification (germline): Uncertain significance. Review status: criteria provided, multiple submitters, no conflicts (2 of 4 stars). 2 submissions from 2 submitters: Uncertain significance (2). Last evaluated 2026-07-03.

Conditions:
Inborn genetic diseases. Identifiers: MedGen C0950123, MeSH D030342.

gnomAD v4.1: 18 of 1,614,114 alleles (0.0011%); highest among the groups gnomAD compares: Non-Finnish European, 0.0014%; no homozygotes.

Submissions (2):

GeneDx
Classification: Uncertain significance. Last evaluated: 2026-07-03. Review status: criteria provided, single submitter. Criteria: GeneDx Variant Classification Process June 2021. Collection method: clinical testing. Allele origin: germline.
Comment: Not observed at significant frequency in large population cohorts (gnomAD); In silico analysis supports that this missense variant has a deleterious effect on protein structure/function; Has not been previously published as pathogenic or benign to our knowledge

Ambry Genetics
Classification: Uncertain significance for Inborn genetic diseases. Last evaluated: 2025-04-01. Review status: criteria provided, single submitter. Criteria: Ambry Variant Classification Scheme 2023. Collection method: clinical testing. Allele origin: germline.

NM_018714.3(COG1):c.862T>C (p.Cys288Arg)

Gene: COG1 (component of oligomeric golgi complex 1; plus strand). Cytogenetic location: 17q25.1.
Variant type: single nucleotide variant.
Coding change: c.862T>C on transcript NM_018714.3 (MANE Select); coding-DNA position 862, T replaced by C.
Protein change: p.Cys288Arg; replaces cysteine 288 with arginine.
Molecular consequence: missense variant.
Genome position (GRCh38, 1-based): chr17:73,197,345, T>C. VCF-style: chr17-73197345-T-C. GRCh37 (hg19) VCF-style: chr17-71193484-T-C.
Other names: short protein forms C288R.
Identifiers: ClinVar variation 3766049 (VCV003766049.3).